The following is an entry in ClinVar:

ClinVar aggregate classification (germline): Uncertain significance (1 of 4 stars; one submission).

Conditions:
Hereditary cancer-predisposing syndrome. Also called: Neoplastic Syndromes, Hereditary; Tumor predisposition; Hereditary neoplastic syndrome; Hereditary Cancer Syndrome. Identifiers: Orphanet 140162, MedGen C0027672, MeSH D009386, MONDO:0015356.

Allele frequency attached by ClinVar (database versions not stated): gnomAD exomes below 0.00001.

Submission:

Ambry Genetics
Classification: Uncertain significance for Hereditary cancer-predisposing syndrome. Last evaluated: 2024-01-31. Review status: criteria provided, single submitter. Criteria: Ambry Variant Classification Scheme 2023. Collection method: clinical testing. Allele origin: germline.
Comment: The p.L337F variant (also known as c.1011G>C), located in coding exon 4 of the MSH6 gene, results from a G to C substitution at nucleotide position 1011. The leucine at codon 337 is replaced by phenylalanine, an amino acid with highly similar properties. This amino acid position is conserved. In addition, the in silico prediction for this alteration is inconclusive. Based on the available evidence, the clinical significance of this alteration remains unclear.

NM_000179.3(MSH6):c.1011G>C (p.Leu337Phe)

Gene: MSH6 (mutS homolog 6; plus strand). Cytogenetic location: 2p16.3.
Variant type: single nucleotide variant.
Coding change: c.1011G>C on transcript NM_000179.3 (MANE Select); coding-DNA position 1011, G replaced by C.
Protein change: p.Leu337Phe; replaces leucine 337 with phenylalanine.
Molecular consequence: missense variant. On other transcripts: non-coding transcript variant (4), intron variant (1).
Genome position (GRCh38, 1-based): chr2:47,798,994, G>C. VCF-style: chr2-47798994-G-C. GRCh37 (hg19) VCF-style: chr2-48026133-G-C.
Other names: c.621G>C, p.Leu207Phe (NM_001281492.2); c.105G>C, p.Leu35Phe (NM_001281493.2, NM_001281494.2, NM_001406811.1 and 6 more transcripts); c.1107G>C, p.Leu369Phe (NM_001406795.1, NM_001406802.1); c.1011G>C, p.Leu337Phe (NM_001406796.1, NM_001406798.1, NM_001406800.1 and 4 more transcripts); c.714G>C, p.Leu238Phe (NM_001406797.1, NM_001406801.1, NM_001406805.1 and 10 more transcripts); c.486G>C, p.Leu162Phe (NM_001406799.1, NM_001406806.1, NM_001406807.1); c.933G>C, p.Leu311Phe (NM_001406804.1); c.1017G>C, p.Leu339Phe (NM_001406813.1); and 2 more; short protein forms L162F, L207F, L238F, L281F, L311F, L337F, L339F, L35F.
Identifiers: ClinVar variation 3230488 (VCV003230488.1), dbSNP rs1669284787, ClinGen allele CA346741258.
Genomic context (GRCh38, chr2:47,798,994, plus strand): 5'-GGAAACGCCCTCAGCCACCAAACAAGCAACTAGCATTTCATCAGAAACCAAGAATACTTT[G>C]AGAGCTTTCTCTGCCCCTCAAAATTCTGAATCCCAAGCCCACGTTAGTGGAGGTGGTGAT-3'
Protein context (NP_000170.1, residues 327-347): TSISSETKNT[Leu337Phe]RAFSAPQNSE